The following is an entry in ClinVar:

NM_001080449.3(DNA2):c.1816T>C (p.Tyr606His)

Gene: DNA2 (DNA replication helicase/nuclease 2; minus strand). Cytogenetic location: 10q21.3.
Variant type: single nucleotide variant.
Coding change: c.1816T>C on transcript NM_001080449.3 (MANE Select); coding-DNA position 1816, T replaced by C.
Protein change: p.Tyr606His; replaces tyrosine 606 with histidine.
Molecular consequence: missense variant. On other transcripts: non-coding transcript variant (1).
Genome position (GRCh38, 1-based): chr10:68,432,263, A>G on the plus strand (T>C on the coding strand, the complement: DNA2 is on the minus strand). VCF-style: chr10-68432263-A-G. GRCh37 (hg19) VCF-style: chr10-70192020-A-G.
Other names: short protein forms Y606H.
Identifiers: ClinVar variation 1971798 (VCV001971798.5), dbSNP rs1242014977, ClinGen allele CA376857068.

ClinVar aggregate classification (germline): Uncertain significance (1 of 4 stars; one submission).

Submission:

Labcorp Genetics (formerly Invitae), Labcorp
Classification: Uncertain significance. Last evaluated: 2022-10-01. Review status: criteria provided, single submitter. Criteria: Invitae Variant Classification Sherloc (09022015). Collection method: clinical testing. Allele origin: germline.
Comment: In summary, the available evidence is currently insufficient to determine the role of this variant in disease. Therefore, it has been classified as a Variant of Uncertain Significance. Advanced modeling of protein sequence and biophysical properties (such as structural, functional, and spatial information, amino acid conservation, physicochemical variation, residue mobility, and thermodynamic stability) performed at Invitae indicates that this missense variant is not expected to disrupt DNA2 protein function. This variant has not been reported in the literature in individuals affected with DNA2-related conditions. This variant is not present in population databases (gnomAD no frequency). This sequence change replaces tyrosine, which is neutral and polar, with histidine, which is basic and polar, at codon 606 of the DNA2 protein (p.Tyr606His).